The following is an entry in ClinVar:

NM_001080414.4(CCDC88C):c.3149T>C (p.Met1050Thr)

Gene: CCDC88C (coiled-coil and HOOK domain protein 88C; minus strand). Cytogenetic location: 14q32.11.
Variant type: single nucleotide variant.
Coding change: c.3149T>C on transcript NM_001080414.4 (MANE Select); coding-DNA position 3149, T replaced by C.
Protein change: p.Met1050Thr; replaces methionine 1050 with threonine.
Molecular consequence: missense variant. On other transcripts: non-coding transcript variant (2).
Genome position (GRCh38, 1-based): chr14:91,307,084, A>G on the plus strand (T>C on the coding strand, the complement: CCDC88C is on the minus strand). VCF-style: chr14-91307084-A-G. GRCh37 (hg19) VCF-style: chr14-91773428-A-G.
Other names: short protein forms M1050T.
Identifiers: ClinVar variation 4535640 (VCV004535640.1).
Genomic context (GRCh38, chr14:91,307,084, plus strand): 5'-GCCAGCCCACTCACATTCCGCTCCAGCTCGATGGCCCGGTCCTTCACTCGGAGAAGCTCC[A>G]TGGTGGCTTCCTTATGGCCGGGCCCCCAGGCCTCCTTCCCCTGGTGACTGGCGGCTGTCT-3'
Protein context (NP_001073883.2, residues 1040-1060): AWGPGHKEAT[Met1050Thr]ELLRVKDRAI

ClinVar aggregate classification (germline): Uncertain significance (1 of 4 stars; one submission).

Submission:

Women's Health and Genetics/Laboratory Corporation of America, LabCorp
Classification: Uncertain significance. Last evaluated: 2025-09-09. Review status: criteria provided, single submitter. Criteria: LabCorp Variant Classification Summary - May 2015. Collection method: clinical testing. Allele origin: germline.
Comment: Variant summary: CCDC88C c.3149T>C (p.Met1050Thr) results in a non-conservative amino acid change in the encoded protein sequence. Algorithms developed to predict the effect of missense changes on protein structure and function are either unavailable or do not agree on the potential impact of this missense change. The frequency data for this variant in gnomAD is considered unreliable, as metrics indicate poor data quality at this position. To our knowledge, no occurrence of c.3149T>C in individuals affected with CCDC88C-related conditions and no experimental evidence demonstrating its impact on protein function have been reported. No submitters have cited clinical-significance assessments for this variant to ClinVar. Based on the evidence outlined above, the variant was classified as uncertain significance.